The following is an entry in ClinVar:

ClinVar aggregate classification (germline): Uncertain significance. Review status: criteria provided, multiple submitters, no conflicts (2 of 4 stars). 2 submissions from 2 submitters: Uncertain significance (2). Last evaluated 2024-10-24.

Conditions:
Mowat-Wilson syndrome (MOWS). Also called: Classic Mowat-Wilson Syndrome. Identifiers: Orphanet 2152, MedGen C1856113, MONDO:0009341, OMIM 235730.

Allele frequency attached by ClinVar (database versions not stated): gnomAD exomes below 0.00001.

Submissions (2):

Labcorp Genetics (formerly Invitae), Labcorp
Classification: Uncertain significance for Mowat-Wilson syndrome. Last evaluated: 2024-10-24. Review status: criteria provided, single submitter. Criteria: Invitae Variant Classification Sherloc (09022015). Collection method: clinical testing. Allele origin: germline.
Comment: This sequence change replaces tyrosine, which is neutral and polar, with cysteine, which is neutral and slightly polar, at codon 400 of the ZEB2 protein (p.Tyr400Cys). This variant is not present in population databases (gnomAD no frequency). This variant has not been reported in the literature in individuals affected with ZEB2-related conditions. ClinVar contains an entry for this variant (Variation ID: 2580609). Invitae Evidence Modeling of protein sequence and biophysical properties (such as structural, functional, and spatial information, amino acid conservation, physicochemical variation, residue mobility, and thermodynamic stability) indicates that this missense variant is not expected to disrupt ZEB2 protein function with a negative predictive value of 80%. In summary, the available evidence is currently insufficient to determine the role of this variant in disease. Therefore, it has been classified as a Variant of Uncertain Significance.

GeneDx
Classification: Uncertain significance. Last evaluated: 2023-03-22. Review status: criteria provided, single submitter. Criteria: GeneDx Variant Classification Process June 2021. Collection method: clinical testing. Allele origin: germline. Affected: yes.
Comment: Not observed at significant frequency in large population cohorts (gnomAD); In silico analysis supports that this missense variant has a deleterious effect on protein structure/function; Has not been previously published as pathogenic or benign to our knowledge

NM_014795.4(ZEB2):c.1199A>G (p.Tyr400Cys)

Gene: ZEB2 (zinc finger E-box binding homeobox 2; minus strand). Cytogenetic location: 2q22.3.
Variant type: single nucleotide variant.
Coding change: c.1199A>G on transcript NM_014795.4 (MANE Select); coding-DNA position 1199, A replaced by G.
Protein change: p.Tyr400Cys; replaces tyrosine 400 with cysteine.
Molecular consequence: missense variant.
Genome position (GRCh38, 1-based): chr2:144,399,988, T>C on the plus strand (A>G on the coding strand, the complement: ZEB2 is on the minus strand). VCF-style: chr2-144399988-T-C. GRCh37 (hg19) VCF-style: chr2-145157555-T-C.
Other names: c.1127A>G, p.Tyr376Cys (NM_001171653.2); short protein forms Y376C, Y400C.
Identifiers: ClinVar variation 2580609 (VCV002580609.4), dbSNP rs2549106999, ClinGen allele CA348712373.
Genomic context (GRCh38, chr2:144,399,988, plus strand): 5'-AGCCCACCATTCATAAAGGGACTAGTGCCACTAAACCCGTGTGTAGCCATAAGAACTTTA[T>C]AGTCATTGAAGTCTAGTGGTTCTGTTTTAATTTTAAGTAAGCCTGTCTGTTCAGACATAC-3'
Protein context (NP_055610.1, residues 390-410): IKTEPLDFND[Tyr400Cys]KVLMATHGFS